The following is an entry in ClinVar:

NM_001458.5(FLNC):c.*1A>G

Genes: FLNC (filamin C; plus strand), FLNC-AS1 (FLNC antisense RNA 1; minus strand). Cytogenetic location: 7q32.1.
Variant type: single nucleotide variant.
Coding change: c.*1A>G on transcript NM_001458.5 (MANE Select); 1 bases downstream of the stop codon, A replaced by G.
Molecular consequence: 3 prime UTR variant.
Genome position (GRCh38, 1-based): chr7:128,858,524, A>G. VCF-style: chr7-128858524-A-G. GRCh37 (hg19) VCF-style: chr7-128498578-A-G.
Other names: c.*1A>G (NM_001127487.2).
Identifiers: ClinVar variation 258124 (VCV000258124.14), dbSNP rs114713626, ClinGen allele CA4476440.

ClinVar aggregate classification (germline): Benign. Review status: criteria provided, multiple submitters, no conflicts (2 of 4 stars). 11 submissions from 11 submitters: Benign (9). 2 of the submissions do not count toward it. Last evaluated 2025-04-09.

Conditions:
Cardiomyopathy (CMYO). Also called: Cardiomyopathies. Identifiers: Orphanet 167848, MedGen C0878544, MONDO:0004994, HP:0001638. Inheritance: Various modes of inheritance.

Allele frequency attached by ClinVar (database versions not stated): gnomAD exomes 0.00580 and 0.01243; ExAC 0.01511; gnomAD 0.04796 and 0.05145; ESP Exome Variant Server 0.05003; 1000 Genomes Project 0.05092; TOPMed 0.05344; 1000 Genomes Project 30x 0.05372.

Submissions (11):

Molecular Diagnostic Laboratory for Inherited Cardiovascular Disease, Montreal Heart Institute
Classification: Benign. Last evaluated: 2025-04-09. Review status: criteria provided, single submitter. Criteria: ACMG Guidelines, 2015. Collection method: clinical testing. Allele origin: germline. Affected: no.

Blueprint Genetics
Classification: Benign. Last evaluated: 2024-11-26. Review status: criteria provided, single submitter. Criteria: ACMG Guidelines, 2015. Collection method: clinical testing. Allele origin: germline.

Athena Diagnostics
Classification: Benign. Last evaluated: 2024-05-28. Review status: criteria provided, single submitter. Criteria: Athena Diagnostics Criteria. Collection method: clinical testing. Allele origin: unknown.

Women's Health and Genetics/Laboratory Corporation of America, LabCorp
Classification: Benign. Last evaluated: 2023-04-10. Review status: criteria provided, single submitter. Criteria: LabCorp Variant Classification Summary - May 2015. Collection method: clinical testing. Allele origin: germline.

Mayo Clinic Laboratories, Mayo Clinic
Classification: Benign. Last evaluated: 2023-01-15. Review status: criteria provided, single submitter. Criteria: ACMG Guidelines, 2015. Collection method: clinical testing. Allele origin: germline. Observed: 74 variant alleles.

CHEO Genetics Diagnostic Laboratory, Children's Hospital of Eastern Ontario
Classification: Benign for Cardiomyopathy. Last evaluated: 2022-11-09. Review status: criteria provided, single submitter. Criteria: ACMG Guidelines, 2015. Collection method: clinical testing. Allele origin: germline.

GeneDx
Classification: Benign. Last evaluated: 2016-03-25. Review status: criteria provided, single submitter. Criteria: GeneDx Variant Classification (06012015). Collection method: clinical testing. Allele origin: germline. Affected: yes.
Comment: This variant is considered likely benign or benign based on one or more of the following criteria: it is a conservative change, it occurs at a poorly conserved position in the protein, it is predicted to be benign by multiple in silico algorithms, and/or has population frequency not consistent with disease.

Breakthrough Genomics
Classification: Benign. Review status: criteria provided, single submitter. Criteria: ACMG Guidelines, 2015. Collection method: not provided. Allele origin: germline. Inheritance: Autosomal dominant inheritance. Affected: yes.

PreventionGenetics, part of Exact Sciences
Classification: Benign. Review status: criteria provided, single submitter. Criteria: ACMG Guidelines, 2015. Collection method: clinical testing. Allele origin: germline.

Clinical Genetics, Academic Medical Center
Classification: Benign. Review status: no assertion criteria provided. Collection method: clinical testing. Allele origin: germline. Affected: yes. Study: VKGL Data-share Consensus. Not counted in ClinVar's aggregate classification.

Joint Genome Diagnostic Labs from Nijmegen and Maastricht, Radboudumc and MUMC+
Classification: Benign. Review status: no assertion criteria provided. Collection method: clinical testing. Allele origin: germline. Affected: yes. Study: VKGL Data-share Consensus. Not counted in ClinVar's aggregate classification.